The following is an entry in ClinVar:

ClinVar aggregate classification (germline): Uncertain significance (1 of 4 stars; one submission).

Conditions:
Frontotemporal dementia and/or amyotrophic lateral sclerosis 4. Also called: FTDALS4. Identifiers: Orphanet 275872, MedGen C4225325, MONDO:0014641, OMIM 616439.

Submission:

Labcorp Genetics (formerly Invitae), Labcorp
Classification: Uncertain significance for Frontotemporal dementia and/or amyotrophic lateral sclerosis 4. Last evaluated: 2020-11-17. Review status: criteria provided, single submitter. Criteria: Invitae Variant Classification Sherloc (09022015). Collection method: clinical testing. Allele origin: germline.
Comment: This sequence change replaces arginine with serine at codon 713 of the TBK1 protein (p.Arg713Ser). The arginine residue is highly conserved and there is a moderate physicochemical difference between arginine and serine. This variant is not present in population databases (ExAC no frequency). This variant has not been reported in the literature in individuals with TBK1-related conditions. Algorithms developed to predict the effect of missense changes on protein structure and function (SIFT, PolyPhen-2, Align-GVGD) all suggest that this variant is likely to be disruptive, but these predictions have not been confirmed by published functional studies and their clinical significance is uncertain. Algorithms developed to predict the effect of sequence changes on RNA splicing suggest that this variant may disrupt the consensus splice site, but this prediction has not been confirmed by published transcriptional studies. In summary, the available evidence is currently insufficient to determine the role of this variant in disease. Therefore, it has been classified as a Variant of Uncertain Significance.

NM_013254.4(TBK1):c.2139G>T (p.Arg713Ser)

Gene: TBK1 (TANK binding kinase 1; plus strand). Cytogenetic location: 12q14.2.
Variant type: single nucleotide variant.
Coding change: c.2139G>T on transcript NM_013254.4 (MANE Select); coding-DNA position 2139, G replaced by T.
Protein change: p.Arg713Ser; replaces arginine 713 with serine.
Molecular consequence: missense variant.
Genome position (GRCh38, 1-based): chr12:64,501,330, G>T. VCF-style: chr12-64501330-G-T. GRCh37 (hg19) VCF-style: chr12-64895110-G-T.
Other names: short protein forms R713S.
Identifiers: ClinVar variation 1498008 (VCV001498008.8), dbSNP rs2136092217, ClinGen allele CA385608649.